The following is an entry in ClinVar:

ClinVar aggregate classification (germline): Uncertain significance (1 of 4 stars; one submission).

Allele frequency attached by ClinVar (database versions not stated): gnomAD exomes below 0.00001; TOPMed below 0.00001; ExAC 0.00001.
gnomAD v4.1: 3 of 1,611,788 alleles (0.00019%); highest among the groups gnomAD compares: Non-Finnish European, 0.00025%; no homozygotes.

Submission:

Labcorp Genetics (formerly Invitae), Labcorp
Classification: Uncertain significance. Last evaluated: 2020-10-10. Review status: criteria provided, single submitter. Criteria: Invitae Variant Classification Sherloc (09022015). Collection method: clinical testing. Allele origin: germline.
Comment: This sequence change replaces lysine with glutamine at codon 444 of the ANLN protein (p.Lys444Gln). The lysine residue is moderately conserved and there is a small physicochemical difference between lysine and glutamine. This variant is present in population databases (rs765497031, ExAC 0.002%). In summary, the available evidence is currently insufficient to determine the role of this variant in disease. Therefore, it has been classified as a Variant of Uncertain Significance. Algorithms developed to predict the effect of sequence changes on RNA splicing suggest that this variant may create or strengthen a splice site, but this prediction has not been confirmed by published transcriptional studies. Algorithms developed to predict the effect of missense changes on protein structure and function (SIFT, PolyPhen-2, Align-GVGD) all suggest that this variant is likely to be tolerated, but these predictions have not been confirmed by published functional studies and their clinical significance is uncertain. This variant has not been reported in the literature in individuals with ANLN-related conditions.

NM_018685.5(ANLN):c.1330A>C (p.Lys444Gln)

Gene: ANLN (anillin, actin binding protein; plus strand). Cytogenetic location: 7p14.2.
Variant type: single nucleotide variant.
Coding change: c.1330A>C on transcript NM_018685.5 (MANE Select); coding-DNA position 1330, A replaced by C.
Protein change: p.Lys444Gln; replaces lysine 444 with glutamine.
Molecular consequence: missense variant.
Genome position (GRCh38, 1-based): chr7:36,411,101, A>C. VCF-style: chr7-36411101-A-C. GRCh37 (hg19) VCF-style: chr7-36450710-A-C.
Other names: c.1330A>C, p.Lys444Gln (NM_001284301.3, NM_001284302.3); short protein forms K444Q.
Identifiers: ClinVar variation 1037858 (VCV001037858.8), dbSNP rs765497031, ClinGen allele CA4219567.